The following is an entry in ClinVar:

ClinVar aggregate classification (germline): Uncertain significance (1 of 4 stars; one submission).

Conditions:
Hereditary spastic paraplegia 39 (SPG39). Also called: SPASTIC PARAPLEGIA 39, AUTOSOMAL RECESSIVE; Spastic Paraplegia Type 39 (SPG39). Identifiers: Orphanet 139480, MedGen C2677586, MONDO:0012787, OMIM 612020.

Allele frequency attached by ClinVar (database versions not stated): gnomAD exomes below 0.00001.
gnomAD v4.1: 2 of 1,613,734 alleles (0.00012%); highest among the groups gnomAD compares: Non-Finnish European, 0.00017%; no homozygotes.

Submission:

Labcorp Genetics (formerly Invitae), Labcorp
Classification: Uncertain significance for Hereditary spastic paraplegia 39. Last evaluated: 2022-08-08. Review status: criteria provided, single submitter. Criteria: Invitae Variant Classification Sherloc (09022015). Collection method: clinical testing. Allele origin: germline.
Comment: Algorithms developed to predict the effect of missense changes on protein structure and function are either unavailable or do not agree on the potential impact of this missense change (SIFT: "Deleterious"; PolyPhen-2: "Probably Damaging"; Align-GVGD: "Class C0"). In summary, the available evidence is currently insufficient to determine the role of this variant in disease. Therefore, it has been classified as a Variant of Uncertain Significance. This sequence change replaces glycine, which is neutral and non-polar, with serine, which is neutral and polar, at codon 968 of the PNPLA6 protein (p.Gly968Ser). This variant is not present in population databases (gnomAD no frequency). This variant has not been reported in the literature in individuals affected with PNPLA6-related conditions.

NM_001166114.2(PNPLA6):c.3016G>A (p.Gly1006Ser)

Gene: PNPLA6 (patatin like domain 6, lysophospholipase; plus strand). Cytogenetic location: 19p13.2.
Variant type: single nucleotide variant.
Coding change: c.3016G>A on transcript NM_001166114.2 (MANE Select); coding-DNA position 3016, G replaced by A.
Protein change: p.Gly1006Ser; replaces glycine 1006 with serine.
Molecular consequence: missense variant.
Genome position (GRCh38, 1-based): chr19:7,555,686, G>A. VCF-style: chr19-7555686-G-A. GRCh37 (hg19) VCF-style: chr19-7620572-G-A.
Other names: c.3046G>A, p.Gly1016Ser (NM_001166111.2); c.2821G>A, p.Gly941Ser (NM_001166112.2); c.2902G>A, p.Gly968Ser (NM_001166113.1, NM_006702.5); short protein forms G1006S, G1016S, G941S, G968S.
Identifiers: ClinVar variation 2155371 (VCV002155371.4), dbSNP rs2512555884, ClinGen allele CA403131744.
Genomic context (GRCh38, chr19:7,555,686, plus strand): 5'-GTACTAAAGGCATTAGAGGAGGCGGGGGTCCCCGTGGACCTGGTGGGCGGCACGTCCATT[G>A]GCTCTTTCATCGGAGCGTTGTACGCGGAGGAGCGCAGCGCCAGCCGCACGAAGCAGCGGG-3'
Protein context (NP_001159586.1, residues 996-1016): PVDLVGGTSI[Gly1006Ser]SFIGALYAEE